The following is an entry in ClinVar:

NM_017617.5(NOTCH1):c.5014C>T (p.Arg1672Cys)

Gene: NOTCH1 (notch receptor 1; minus strand). Cytogenetic location: 9q34.3.
Variant type: single nucleotide variant.
Coding change: c.5014C>T on transcript NM_017617.5 (MANE Select); coding-DNA position 5014, C replaced by T.
Protein change: p.Arg1672Cys; replaces arginine 1672 with cysteine.
Molecular consequence: missense variant.
Genome position (GRCh38, 1-based): chr9:136,504,677, G>A on the plus strand (C>T on the coding strand, the complement: NOTCH1 is on the minus strand). VCF-style: chr9-136504677-G-A. GRCh37 (hg19) VCF-style: chr9-139399129-G-A.
Other names: c.5014C>T (NM_017617.4); c.5014C>T, p.Arg1672Cys (LRG_1122t1); short protein forms R1672C.
Identifiers: ClinVar variation 222757 (VCV000222757.6), dbSNP rs745901158, ClinGen allele CA079784.

ClinVar aggregate classification (germline): Conflicting classifications of pathogenicity. Review status: criteria provided, conflicting classifications (1 of 4 stars). 2 submissions from 2 submitters: Uncertain significance (1); Benign (1). Last evaluated 2026-01-07.

Conditions:
NOTCH1-related disorder. Also called: NOTCH1-related condition; NOTCH1-related disorders.
Adams-Oliver syndrome 5 (AOS5). Identifiers: Orphanet 974, MedGen C4014970, MONDO:0014459, OMIM 616028.

Allele frequency attached by ClinVar (database versions not stated): gnomAD exomes 0.00001 and 0.00002; gnomAD 0.00003; TOPMed 0.00003; ExAC 0.00027.
gnomAD v4.1: 17 of 1,512,370 alleles (0.0011%); highest among the groups gnomAD compares: Non-Finnish European, 0.0012%; no homozygotes.

Submissions (2):

PreventionGenetics, part of Exact Sciences
Classification: Uncertain significance for NOTCH1-related condition. Last evaluated: 2026-01-07. Review status: criteria provided, single submitter. Criteria: ACMG Guidelines, 2015. Collection method: clinical testing. Allele origin: germline.
Comment: The NOTCH1 c.5014C>T variant is predicted to result in the amino acid substitution p.Arg1672Cys. To our knowledge, this variant has not been reported in the literature. This variant is reported in 0.0098% of alleles in individuals of East Asian descent in gnomAD. At this time, the clinical significance of this variant is uncertain due to the absence of conclusive functional and genetic evidence.

Labcorp Genetics (formerly Invitae), Labcorp
Classification: Benign for Adams-Oliver syndrome 5. Last evaluated: 2022-09-06. Review status: criteria provided, single submitter. Criteria: Invitae Variant Classification Sherloc (09022015). Collection method: clinical testing. Allele origin: germline.